The following is an entry in ClinVar:

NM_001127198.5(TMC6):c.57-1G>A

Gene: TMC6 (transmembrane channel like 6; minus strand). Cytogenetic location: 17q25.3.
Variant type: single nucleotide variant.
Coding change: c.57-1G>A on transcript NM_001127198.5 (MANE Select); the canonical splice acceptor site of the intron before coding-DNA position 57, G replaced by A.
Molecular consequence: splice acceptor variant.
Genome position (GRCh38, 1-based): chr17:78,126,649, C>T on the plus strand (G>A on the coding strand, the complement: TMC6 is on the minus strand). VCF-style: chr17-78126649-C-T. GRCh37 (hg19) VCF-style: chr17-76122730-C-T.
Other names: c.57-1G>A (NM_001374594.1, NM_001374596.1, NM_001374593.1 and 4 more transcripts).
Identifiers: ClinVar variation 422538 (VCV000422538.2), dbSNP rs754288317, ClinGen allele CA8796264.

ClinVar aggregate classification (germline): Likely pathogenic (1 of 4 stars; one submission).

Allele frequency attached by ClinVar (database versions not stated): TOPMed below 0.00001; ExAC 0.00001; gnomAD exomes below 0.00001.

Submission:

GeneDx
Classification: Likely pathogenic. Last evaluated: 2016-10-28. Review status: criteria provided, single submitter. Criteria: GeneDx Variant Classification (06012015). Collection method: clinical testing. Allele origin: germline. Affected: yes.
Comment: The c.57-1G>A variant in the TMC6 gene has not been reported previously as a pathogenic variant nor as a benign variant, to our knowledge. This splice site variant destroys the canonical splice acceptor site in intron 2. It is predicted to cause abnormal gene splicing, either leading to an abnormal message that is subject to nonsense-mediated mRNA decay, or to an abnormal protein product if the message is used for protein translation. The c.57-1G>A variant was not observed in approximately 6,500 individuals of European and African American ancestry in the NHLBI Exome Sequencing Project, indicating it is not a common benign variant in these populations. We interpret c.57-1G>A as a likely pathogenic variant.